The following is an entry in ClinVar:

NM_006206.6(PDGFRA):c.2153G>T (p.Arg718Leu)

Gene: PDGFRA (platelet derived growth factor receptor alpha; plus strand). Cytogenetic location: 4q12.
Variant type: single nucleotide variant.
Coding change: c.2153G>T on transcript NM_006206.6 (MANE Select); coding-DNA position 2153, G replaced by T.
Protein change: p.Arg718Leu; replaces arginine 718 with leucine.
Molecular consequence: missense variant.
Genome position (GRCh38, 1-based): chr4:54,278,512, G>T. VCF-style: chr4-54278512-G-T. GRCh37 (hg19) VCF-style: chr4-55144679-G-T.
Other names: c.2153G>T, p.Arg718Leu (NM_001347827.2, NM_001347829.2); c.2228G>T, p.Arg743Leu (NM_001347828.2); c.2192G>T, p.Arg731Leu (NM_001347830.2); short protein forms R743L, R718L, R731L.
Identifiers: ClinVar variation 1045140 (VCV001045140.10), dbSNP rs367722824, ClinGen allele CA356894164.
Genomic context (GRCh38, chr4:54,278,512, plus strand): 5'-CAGAGAAGCCAAAGAAAGAGCTGGATATCTTTGGATTGAACCCTGCTGATGAAAGCACAC[G>T]GAGGTGGGTGCAAAGAGAGATGTTGCTGTCTATCATTATCTTACAGGCATCACAAATGGA-3'
Protein context (NP_006197.1, residues 708-728): FGLNPADEST[Arg718Leu]SYVILSFENN

ClinVar aggregate classification (germline): Uncertain significance. Review status: criteria provided, multiple submitters, no conflicts (2 of 4 stars). 2 submissions from 2 submitters: Uncertain significance (2). Last evaluated 2025-11-24.

Conditions:
Gastrointestinal stromal tumor. Also called: Gastrointestinal stromal tumor, somatic; Gastrointestinal stroma tumor. Identifiers: Orphanet 44890, MedGen C0238198, MeSH D046152, MONDO:0011719, OMIM 606764, HP:0100723.
Hereditary cancer-predisposing syndrome. Also called: Tumor predisposition; Neoplastic Syndromes, Hereditary; Hereditary neoplastic syndrome; Hereditary Cancer Syndrome. Identifiers: Orphanet 140162, MedGen C0027672, MeSH D009386, MONDO:0015356.

gnomAD v4.1: 1 of 1,613,906 alleles (0.000062%); highest among the groups gnomAD compares: Non-Finnish European, 0.000085%; no homozygotes.

Submissions (2):

Labcorp Genetics (formerly Invitae), Labcorp
Classification: Uncertain significance for Gastrointestinal stromal tumor. Last evaluated: 2025-11-24. Review status: criteria provided, single submitter. Criteria: Invitae Variant Classification Sherloc (09022015). Collection method: clinical testing. Allele origin: germline.
Comment: This sequence change replaces arginine, which is basic and polar, with leucine, which is neutral and non-polar, at codon 718 of the PDGFRA protein (p.Arg718Leu). This variant is not present in population databases (gnomAD no frequency). This variant has not been reported in the literature in individuals affected with PDGFRA-related conditions. ClinVar contains an entry for this variant (Variation ID: 1045140). Invitae Evidence Modeling of protein sequence and biophysical properties (such as structural, functional, and spatial information, amino acid conservation, physicochemical variation, residue mobility, and thermodynamic stability) indicates that this missense variant is not expected to disrupt PDGFRA protein function with a negative predictive value of 80%. In summary, the available evidence is currently insufficient to determine the role of this variant in disease. Therefore, it has been classified as a Variant of Uncertain Significance.

Ambry Genetics
Classification: Uncertain significance for Hereditary cancer-predisposing syndrome. Last evaluated: 2025-06-06. Review status: criteria provided, single submitter. Criteria: Ambry Variant Classification Scheme 2023. Collection method: clinical testing. Allele origin: germline.
Comment: The p.R718L variant (also known as c.2153G>T), located in coding exon 14 of the PDGFRA gene, results from a G to T substitution at nucleotide position 2153. The arginine at codon 718 is replaced by leucine, an amino acid with dissimilar properties. This amino acid position is conserved. In addition, this alteration is predicted to be deleterious by in silico analysis. Since supporting evidence is limited at this time, the clinical significance of this alteration remains unclear.